The following is an entry in ClinVar:

ClinVar aggregate classification (germline): Conflicting classifications of pathogenicity. Review status: criteria provided, conflicting classifications (1 of 4 stars). 20 submissions from 20 submitters: Uncertain significance (1); Benign (7); Likely benign (7). 5 of the submissions do not count toward it. Last evaluated 2026-08-01.

Conditions:
Cardiovascular phenotype. Identifiers: MedGen CN230736.
Arrhythmogenic right ventricular cardiomyopathy (ARVD). Also called: Arrhythmogenic Right Ventricular Cardiomyopathy (ARVC); Cardiomyopathy, ARVC; Arrhythmogenic right ventricular dysplasia; Arrhythmogenic cardiomyopathy. Identifiers: Orphanet 247, MedGen C0349788, MeSH D019571, MONDO:0016587. Disease mechanism: loss of function. Inheritance: Various modes of inheritance.
Cardiomyopathy (CMYO). Also called: Cardiomyopathies. Identifiers: Orphanet 167848, MedGen C0878544, MONDO:0004994, HP:0001638. Inheritance: Various modes of inheritance.
Arrhythmogenic right ventricular dysplasia 10. Also called: Arrhythmogenic right ventricular dysplasia/cardiomyopathy, type 10; Arrhythmogenic Right Ventricular Dysplasia/Cardiomyopathy10; ARRHYTHMOGENIC RIGHT VENTRICULAR DYSPLASIA, FAMILIAL, 10. Identifiers: MedGen C1857777, MONDO:0012434, OMIM 610193.

Allele frequency attached by ClinVar (database versions not stated): gnomAD exomes 0.00219 and 0.00276; ExAC 0.00257; TOPMed 0.00142; gnomAD 0.00158 and 0.00166; 1000 Genomes Project 30x 0.00156; 1000 Genomes Project 0.00100; ESP Exome Variant Server 0.00159.

Submissions (20):

CeGaT Center for Human Genetics Tuebingen
Classification: Likely benign. Last evaluated: 2026-08-01. Review status: criteria provided, single submitter. Criteria: CeGaT Center For Human Genetics Tuebingen Variant Classification Criteria Version 2. Collection method: clinical testing. Allele origin: germline. Affected: yes. Observed: 6 variant alleles.
Comment: DSG2: BP4, BS2

Labcorp Genetics (formerly Invitae), Labcorp
Classification: Benign for Arrhythmogenic right ventricular dysplasia 10. Last evaluated: 2026-01-31. Review status: criteria provided, single submitter. Criteria: Invitae Variant Classification Sherloc (09022015). Collection method: clinical testing. Allele origin: germline.

ARUP Laboratories, Molecular Genetics and Genomics, ARUP Laboratories
Classification: Likely benign. Last evaluated: 2025-07-03. Review status: criteria provided, single submitter. Criteria: ARUP Molecular Germline Variant Investigation Process 2024. Collection method: clinical testing. Allele origin: germline.

Molecular Diagnostic Laboratory for Inherited Cardiovascular Disease, Montreal Heart Institute
Classification: Likely benign. Last evaluated: 2025-04-08. Review status: criteria provided, single submitter. Criteria: ACMG Guidelines, 2015. Collection method: clinical testing. Allele origin: germline. Affected: no.

Blueprint Genetics
Classification: Likely benign. Last evaluated: 2024-11-13. Review status: criteria provided, single submitter. Criteria: ACMG Guidelines, 2015. Collection method: clinical testing. Allele origin: germline.

All of Us Research Program, National Institutes of Health
Classification: Benign for Arrhythmogenic right ventricular cardiomyopathy. Last evaluated: 2024-09-24. Review status: criteria provided, single submitter. Criteria: ACMG Guidelines, 2015. Collection method: clinical testing. Allele origin: germline. Inheritance: Autosomal dominant inheritance. Observed: 608 variant alleles, 605 heterozygotes, 3 homozygotes.
Comment: This study involves interpretation of variants in research participants for the purpose of population health screening. Participant phenotype was not available at the time of variant classification. Additional details can be found in publication PMID: 35346344, PMCID: PMC8962531

Mendelics
Classification: Benign. Last evaluated: 2023-08-22. Review status: criteria provided, single submitter. Criteria: Mendelics Assertion Criteria 2019. Collection method: clinical testing. Allele origin: germline.

GeneDx
Classification: Benign. Last evaluated: 2020-09-08. Review status: criteria provided, single submitter. Criteria: GeneDx Variant Classification Process June 2021. Collection method: clinical testing. Allele origin: germline. Affected: yes.
Comment: This variant is associated with the following publications: (PMID: 23812740, 26899768, 25637381, 23299917, 21636032, 24070718, 17105751, 20031616, 20129281, 20829228, 21606390, 21859740, 21606396, 21723241, 23071725, 23396983, 24436435, 24055113, 26138720, 26681313, 27153395, 25985138, 28255936, 29062102, 30885746)

Women's Health and Genetics/Laboratory Corporation of America, LabCorp
Classification: Benign. Last evaluated: 2019-08-26. Review status: criteria provided, single submitter. Criteria: LabCorp Variant Classification Summary - May 2015. Collection method: clinical testing. Allele origin: germline.
Comment: Variant summary: DSG2 c.1174G>A (p.Val392Ile) results in a conservative amino acid change in the encoded protein sequence. Four of five in-silico tools predict a benign effect of the variant on protein function. The variant allele was found at a frequency of 0.0022 in 249420 control chromosomes in the gnomAD database, including 3 homozygotes. The observed variant frequency is approximately 200 fold of the estimated maximal expected allele frequency for a pathogenic variant in DSG2 causing Arrhythmia phenotype (1e-05), strongly suggesting that the variant is benign. Though c.1174G>A has been reported in the literature in individuals affected with ARVC/D, LQTS and DCM, including families showing incomplete co-segregation with disease, in addition, multiple co-occurrences with other pathogenic variants have been noted (PKP2 c.148_151delACAG (p.Thr50fsX61), Bauce_2010, Rigato_2013; PKP2 c.235C>T (p.Arg79X), Cox _2011), providing supporting evidence for a benign role. Publication also reported experimental evidence evaluating an impact on protein function, and demonstrated no damaging effect of this variant (Gaertner_2012, Dieding_2017). Six other clinical diagnostic laboratories have submitted clinical-significance assessments for this variant to ClinVar after 2014 without evidence for independent evaluation, and classified the variant as Benign (2x), Likely benign (3x) or VUS (1x). Based on the evidence outlined above, the variant was classified as benign.

CHEO Genetics Diagnostic Laboratory, Children's Hospital of Eastern Ontario
Classification: Benign for Cardiomyopathy. Last evaluated: 2018-07-25. Review status: criteria provided, single submitter. Criteria: ACMG Guidelines, 2015. Collection method: clinical testing. Allele origin: germline.

Color Diagnostics, LLC DBA Color Health
Classification: Benign for Cardiomyopathy. Last evaluated: 2018-06-11. Review status: criteria provided, single submitter. Criteria: ACMG Guidelines, 2015. Collection method: clinical testing. Allele origin: germline.

Ambry Genetics
Classification: Likely benign for Cardiovascular phenotype. Last evaluated: 2018-06-08. Review status: criteria provided, single submitter. Criteria: Ambry Variant Classification Scheme 2023. Collection method: clinical testing. Allele origin: germline.

Laboratory for Molecular Medicine, Mass General Brigham Personalized Medicine
Classification: Likely benign. Last evaluated: 2015-04-03. Review status: criteria provided, single submitter. Criteria: LMM Criteria. Collection method: clinical testing. Allele origin: germline. Observed: 17 variant alleles.
Comment: p.Val392Ile in exon 9 of DSG2: This variant has been reported in many individual s with diverse presentations (ARVC, LQTS1, LDAC, DCM: Syrris 2007, Bhuiyan 2009, Bauce 2010, Klauke 2010, Quarta 2011, Cox 2011, Bauce 2011, Garcia-Parva 2011, LMM unpublished data). However, this variant has also been identified in 0.7% (1 11/16510) of South Asian chromosomes by the Exome Aggregation Consortium (ExAC;dbSNP rs193922639). In addition, valine (Val) at position 392 is poorly conserved in evolution and the variant is present in two species (including 1 mammal), suggesting that a change to this position may be t olerated. In summary, this variant is likely benign but a modifying role cannot be excluded.

CSER _CC_NCGL, University of Washington
Classification: Uncertain significance for Cardiomyopathy, arrhythmogenic right ventricular. Last evaluated: 2014-06-01. Review status: criteria provided, single submitter. Criteria: Amendola et al. (Genome Res. 2015). Collection method: research. Allele origin: germline. Inheritance: Autosomal dominant inheritance. Study: ESP 6500 variant annotation.
Comment: Low GERP score may suggest that this variant may belong in a lower pathogenicity class

Variants classified for the Actionable exomic incidental findings in 6503 participants: challenges of variant classification manuscript

Biesecker Lab/Clinical Genomics Section, National Institutes of Health
Classification: Likely benign for Cardiomyopathy, arrhythmogenic right ventricular. Last evaluated: 2013-06-24. Review status: criteria provided, single submitter. Criteria: Ng et al. (Circ Cardiovasc Genet. 2013). Collection method: research. Allele origin: unknown. Observed: 5 variant alleles. Study: ClinSeq.
Comment: The study set was not selected for affection status in relation to any cancer. Pathogenicity categories were based on literature curation. See Pubmed ID:23861362 for details.

Medical sequencing

Clinical Genetics DNA and cytogenetics Diagnostics Lab, Erasmus MC, Erasmus Medical Center
Classification: Likely benign. Review status: no assertion criteria provided. Collection method: clinical testing. Allele origin: germline. Affected: yes. Study: VKGL Data-share Consensus. Not counted in ClinVar's aggregate classification.

Clinical Genetics, Academic Medical Center
Classification: Benign. Review status: no assertion criteria provided. Collection method: clinical testing. Allele origin: germline. Affected: yes. Study: VKGL Data-share Consensus. Not counted in ClinVar's aggregate classification.

Diagnostic Laboratory, Department of Genetics, University Medical Center Groningen
Classification: Likely benign. Review status: no assertion criteria provided. Collection method: clinical testing. Allele origin: germline. Affected: yes. Study: VKGL Data-share Consensus. Not counted in ClinVar's aggregate classification.

Genome Diagnostics Laboratory, University Medical Center Utrecht
Classification: Benign. Review status: no assertion criteria provided. Collection method: clinical testing. Allele origin: germline. Affected: yes. Study: VKGL Data-share Consensus. Not counted in ClinVar's aggregate classification.

Joint Genome Diagnostic Labs from Nijmegen and Maastricht, Radboudumc and MUMC+
Classification: Benign. Review status: no assertion criteria provided. Collection method: clinical testing. Allele origin: germline. Affected: yes. Study: VKGL Data-share Consensus. Not counted in ClinVar's aggregate classification.

Literature cited by the submitters: PubMed 17105751 (cited by Women's Health and Genetics/Laboratory Corporation of America, LabCorp and Laboratory for Molecular Medicine, Mass General Brigham Personalized Medicine); PubMed 20031616 (cited by Women's Health and Genetics/Laboratory Corporation of America, LabCorp and Laboratory for Molecular Medicine, Mass General Brigham Personalized Medicine); PubMed 20129281 (cited by Women's Health and Genetics/Laboratory Corporation of America, LabCorp and Laboratory for Molecular Medicine, Mass General Brigham Personalized Medicine); PubMed 21636032 (cited by Women's Health and Genetics/Laboratory Corporation of America, LabCorp and Laboratory for Molecular Medicine, Mass General Brigham Personalized Medicine); PubMed 21606396 (cited by Women's Health and Genetics/Laboratory Corporation of America, LabCorp and Laboratory for Molecular Medicine, Mass General Brigham Personalized Medicine); PubMed 21606390 (cited by Women's Health and Genetics/Laboratory Corporation of America, LabCorp and Laboratory for Molecular Medicine, Mass General Brigham Personalized Medicine); PubMed 21723241 (cited by Women's Health and Genetics/Laboratory Corporation of America, LabCorp and Laboratory for Molecular Medicine, Mass General Brigham Personalized Medicine); PubMed 20829228 (cited by Women's Health and Genetics/Laboratory Corporation of America, LabCorp and Laboratory for Molecular Medicine, Mass General Brigham Personalized Medicine); PubMed 23812740 (cited by Women's Health and Genetics/Laboratory Corporation of America, LabCorp); PubMed 23071725 (cited by Women's Health and Genetics/Laboratory Corporation of America, LabCorp); PubMed 21859740 (cited by Women's Health and Genetics/Laboratory Corporation of America, LabCorp); PubMed 24436435 (cited by Women's Health and Genetics/Laboratory Corporation of America, LabCorp); PubMed 24070718 (cited by Women's Health and Genetics/Laboratory Corporation of America, LabCorp); PubMed 26899768 (cited by Women's Health and Genetics/Laboratory Corporation of America, LabCorp); PubMed 29062102 (cited by Women's Health and Genetics/Laboratory Corporation of America, LabCorp); PubMed 26138720 (cited by Women's Health and Genetics/Laboratory Corporation of America, LabCorp).

NM_001943.5(DSG2):c.1174G>A (p.Val392Ile)

Gene: DSG2 (desmoglein 2; plus strand). Cytogenetic location: 18q12.1.
Variant type: single nucleotide variant.
Coding change: c.1174G>A on transcript NM_001943.5 (MANE Select); coding-DNA position 1174, G replaced by A.
Protein change: p.Val392Ile; replaces valine 392 with isoleucine.
Molecular consequence: missense variant.
Genome position (GRCh38, 1-based): chr18:31,531,146, G>A. VCF-style: chr18-31531146-G-A. GRCh37 (hg19) VCF-style: chr18-29111109-G-A.
Other names: p.V392I:GTC>ATC; short protein forms V392I.
Identifiers: ClinVar variation 36009 (VCV000036009.72), dbSNP rs193922639, ClinGen allele CA021294.